The following is an entry in ClinVar:

NM_000179.3(MSH6):c.529C>T (p.Gln177Ter)

Gene: MSH6 (mutS homolog 6; plus strand). Cytogenetic location: 2p16.3.
Variant type: single nucleotide variant.
Coding change: c.529C>T on transcript NM_000179.3 (MANE Select); coding-DNA position 529, C replaced by T.
Protein change: p.Gln177Ter; replaces glutamine 177 with a stop codon.
Molecular consequence: nonsense. On other transcripts: 5 prime UTR variant (1), intron variant (2).
Genome position (GRCh38, 1-based): chr2:47,795,965, C>T. VCF-style: chr2-47795965-C-T. GRCh37 (hg19) VCF-style: chr2-48023104-C-T.
Other names: c.-374C>T (NM_001281494.2); c.-279-2646C>T (NM_001281493.2); c.238-2646C>T (NM_001281492.2); short protein forms Q177*.
Identifiers: ClinVar variation 1324740 (VCV001324740.10), dbSNP rs2104233399, ClinGen allele CA346738703.

ClinVar aggregate classification (germline): Pathogenic. Review status: criteria provided, multiple submitters, no conflicts (2 of 4 stars). 2 submissions from 2 submitters: Pathogenic (2). Last evaluated 2024-03-22.

Conditions:
Hereditary nonpolyposis colorectal neoplasms. Identifiers: MedGen C0009405, MeSH D003123.
Hereditary cancer-predisposing syndrome. Also called: Hereditary Cancer Syndrome; Tumor predisposition; Neoplastic Syndromes, Hereditary; Hereditary neoplastic syndrome. Identifiers: Orphanet 140162, MedGen C0027672, MeSH D009386, MONDO:0015356.

Submissions (2):

Ambry Genetics
Classification: Pathogenic for Hereditary cancer-predisposing syndrome. Last evaluated: 2024-03-22. Review status: criteria provided, single submitter. Criteria: Ambry Variant Classification Scheme 2023. Collection method: clinical testing. Allele origin: germline.
Comment: The p.Q177* pathogenic mutation (also known as c.529C>T), located in coding exon 3 of the MSH6 gene, results from a C to T substitution at nucleotide position 529. This changes the amino acid from a glutamine to a stop codon within coding exon 3. This variant is considered to be rare based on population cohorts in the Genome Aggregation Database (gnomAD). This alteration is expected to result in loss of function by premature protein truncation or nonsense-mediated mRNA decay. As such, this alteration is interpreted as a disease-causing mutation.

Labcorp Genetics (formerly Invitae), Labcorp
Classification: Pathogenic for Hereditary nonpolyposis colorectal neoplasms. Last evaluated: 2020-11-10. Review status: criteria provided, single submitter. Criteria: Invitae Variant Classification Sherloc (09022015). Collection method: clinical testing. Allele origin: germline.
Comment: Algorithms developed to predict the effect of sequence changes on RNA splicing suggest that this variant may create or strengthen a splice site, but this prediction has not been confirmed by published transcriptional studies. This sequence change creates a premature translational stop signal (p.Gln177*) in the MSH6 gene. It is expected to result in an absent or disrupted protein product. Loss-of-function variants in MSH6 are known to be pathogenic (PMID: 18269114, 24362816). This variant is not present in population databases (ExAC no frequency). This variant has been observed in individual(s) with clinical features of Lynch syndrome (PMID: 28449805). For these reasons, this variant has been classified as Pathogenic.

Literature cited by the submitters: PubMed 18269114 (cited by Labcorp Genetics (formerly Invitae), Labcorp); PubMed 24362816 (cited by Labcorp Genetics (formerly Invitae), Labcorp); PubMed 28449805 (cited by Labcorp Genetics (formerly Invitae), Labcorp).